The following is an entry in ClinVar:

NM_003906.5(MCM3AP):c.5491C>G (p.Arg1831Gly)

Genes: MCM3AP (minichromosome maintenance complex component 3 associated protein; minus strand), MCM3AP-AS1 (MCM3AP antisense RNA 1; plus strand). Cytogenetic location: 21q22.3.
Variant type: single nucleotide variant.
Coding change: c.5491C>G on transcript NM_003906.5 (MANE Select); coding-DNA position 5491, C replaced by G.
Protein change: p.Arg1831Gly; replaces arginine 1831 with glycine.
Molecular consequence: missense variant. On other transcripts: non-coding transcript variant (4).
Genome position (GRCh38, 1-based): chr21:46,240,953, G>C on the plus strand (C>G on the coding strand, the complement: MCM3AP is on the minus strand). VCF-style: chr21-46240953-G-C. GRCh37 (hg19) VCF-style: chr21-47660867-G-C.
Other names: short protein forms R1831G.
Identifiers: ClinVar variation 1376483 (VCV001376483.5), dbSNP rs2298697, ClinGen allele CA10075835.

ClinVar aggregate classification (germline): Uncertain significance (1 of 4 stars; one submission).

gnomAD v4.1: 7 of 1,614,020 alleles (0.00043%); highest among the groups gnomAD compares: African/African-American, 0.0067%; no homozygotes.

Submission:

Labcorp Genetics (formerly Invitae), Labcorp
Classification: Uncertain significance. Last evaluated: 2021-09-01. Review status: criteria provided, single submitter. Criteria: Invitae Variant Classification Sherloc (09022015). Collection method: clinical testing. Allele origin: germline.
Comment: This sequence change replaces arginine with glycine at codon 1831 of the MCM3AP protein (p.Arg1831Gly). The arginine residue is weakly conserved and there is a moderate physicochemical difference between arginine and glycine. This variant is present in population databases (rs2298697, ExAC 0.01%). This variant has not been reported in the literature in individuals affected with MCM3AP-related conditions. Algorithms developed to predict the effect of missense changes on protein structure and function (SIFT, PolyPhen-2, Align-GVGD) all suggest that this variant is likely to be tolerated. Algorithms developed to predict the effect of sequence changes on RNA splicing suggest that this variant may create or strengthen a splice site. In summary, the available evidence is currently insufficient to determine the role of this variant in disease. Therefore, it has been classified as a Variant of Uncertain Significance.